The following is an entry in ClinVar:

ClinVar aggregate classification (germline): Uncertain significance (1 of 4 stars; one submission).

Conditions:
Developmental and epileptic encephalopathy, 11 (DEE11). Also called: Early infantile epileptic encephalopathy 11. Identifiers: Orphanet 1934, MedGen C3150987, MONDO:0013388, OMIM 613721.
Seizures, benign familial infantile, 3 (BFIS3). Also called: CONVULSIONS, BENIGN FAMILIAL INFANTILE, 3; Familial neonatal seizures. Identifiers: Orphanet 140927, Orphanet 306, MedGen C1843140, MONDO:0011904, OMIM 607745.

Allele frequency attached by ClinVar (database versions not stated): gnomAD exomes below 0.00001; TOPMed below 0.00001.
gnomAD v4.1: 4 of 1,613,788 alleles (0.00025%); highest among the groups gnomAD compares: Non-Finnish European, 0.00034%; no homozygotes.

Submission:

Labcorp Genetics (formerly Invitae), Labcorp
Classification: Uncertain significance for Seizures, benign familial infantile, 3; Developmental and epileptic encephalopathy, 11. Last evaluated: 2025-12-27. Review status: criteria provided, single submitter. Criteria: Invitae Variant Classification Sherloc (09022015). Collection method: clinical testing. Allele origin: germline.
Comment: This sequence change replaces lysine, which is basic and polar, with threonine, which is neutral and polar, at codon 731 of the SCN2A protein (p.Lys731Thr). This variant is not present in population databases (gnomAD no frequency). This variant has not been reported in the literature in individuals affected with SCN2A-related conditions. ClinVar contains an entry for this variant (Variation ID: 2096222). Invitae Evidence Modeling of protein sequence and biophysical properties (such as structural, functional, and spatial information, amino acid conservation, physicochemical variation, residue mobility, and thermodynamic stability) indicates that this missense variant is expected to disrupt SCN2A protein function with a positive predictive value of 95%. In summary, the available evidence is currently insufficient to determine the role of this variant in disease. Therefore, it has been classified as a Variant of Uncertain Significance.

NM_001040142.2(SCN2A):c.2192A>C (p.Lys731Thr)

Gene: SCN2A (sodium voltage-gated channel alpha subunit 2; plus strand). Cytogenetic location: 2q24.3.
Variant type: single nucleotide variant.
Coding change: c.2192A>C on transcript NM_001040142.2 (MANE Select); coding-DNA position 2192, A replaced by C.
Protein change: p.Lys731Thr; replaces lysine 731 with threonine.
Molecular consequence: missense variant.
Genome position (GRCh38, 1-based): chr2:165,331,372, A>C. VCF-style: chr2-165331372-A-C. GRCh37 (hg19) VCF-style: chr2-166187882-A-C.
Other names: c.2192A>C, p.Lys731Thr (NM_001040143.2, NM_001371246.1, NM_001371247.1 and 1 more transcripts); short protein forms K731T.
Identifiers: ClinVar variation 2096222 (VCV002096222.4), dbSNP rs1698664503, ClinGen allele CA349030650.